The following is an entry in ClinVar:

NM_001371596.2(MFSD8):c.753A>G (p.Glu251=)

Gene: MFSD8 (major facilitator superfamily domain containing 8; minus strand). Cytogenetic location: 4q28.2.
Variant type: single nucleotide variant.
Coding change: c.753A>G on transcript NM_001371596.2 (MANE Select); coding-DNA position 753, A replaced by G.
Protein change: p.Glu251=; no amino-acid change (glutamic acid 251 retained).
Molecular consequence: synonymous variant. On other transcripts: intron variant (3).
Genome position (GRCh38, 1-based): chr4:127,938,784, T>C on the plus strand (A>G on the coding strand, the complement: MFSD8 is on the minus strand). VCF-style: chr4-127938784-T-C. GRCh37 (hg19) VCF-style: chr4-128859939-T-C.
Other names: c.618A>G, p.Glu206= (NM_001371590.2); c.753A>G, p.Glu251= (NM_001371591.2, NM_152778.4); c.759A>G, p.Glu253= (NM_001371592.2); c.639A>G, p.Glu213= (NM_001371593.2, NM_001410766.1); c.606A>G, p.Glu202= (NM_001371594.2); c.471A>G, p.Glu157= (NM_001371595.1); c.304+4968A>G (NM_001410765.1); c.439+4968A>G (NM_001363521.3); and 1 more.
Identifiers: ClinVar variation 1705921 (VCV001705921.4), dbSNP rs1164872454, ClinGen allele CA441211214.

ClinVar aggregate classification (germline): Uncertain significance. Review status: criteria provided, multiple submitters, no conflicts (2 of 4 stars). 3 submissions from 3 submitters: Uncertain significance (3). Last evaluated 2026-01-27.

Conditions:
Neuronal ceroid lipofuscinosis 7 (CLN7). Also called: MFSD8-Related Neuronal Ceroid-Lipofuscinosis. Identifiers: Orphanet 168491, Orphanet 228366, MedGen C1838571, MONDO:0012588, OMIM 610951.

Allele frequency attached by ClinVar (database versions not stated): TOPMed 0.00002; gnomAD 0.00001.

Submissions (3):

3billion
Classification: Uncertain significance for Neuronal ceroid lipofuscinosis 7. Last evaluated: 2026-01-27. Review status: criteria provided, single submitter. Criteria: ACMG Guidelines, 2015. Collection method: clinical testing. Allele origin: germline. Affected: yes.
Comment: The variant is observed at an extremely low frequency in the gnomAD v4.1.0 dataset (total allele frequency: <0.001%). Predicted Consequence/Location: Synonymous variant In silico tools predict the variant to alter splicing and produce an abnormal transcript [SpliceAI: 0.78 (>=0.2, moderate evidence for spliceogenicity)]. The variant has been reported to be associated with MFSD8-related disorder (PMID: 37090936). However, the evidence of pathogenicity is insufficient at this time. Therefore, this variant is classified as VUS according to the recommendation of ACMG/AMP guideline.

Labcorp Genetics (formerly Invitae), Labcorp
Classification: Uncertain significance for Neuronal ceroid lipofuscinosis 7. Last evaluated: 2022-08-10. Review status: criteria provided, single submitter. Criteria: Invitae Variant Classification Sherloc (09022015). Collection method: clinical testing. Allele origin: germline.
Comment: This sequence change affects codon 251 of the MFSD8 mRNA. It is a 'silent' change, meaning that it does not change the encoded amino acid sequence of the MFSD8 protein. It affects a nucleotide within the consensus splice site. This variant is not present in population databases (gnomAD no frequency). This variant has not been reported in the literature in individuals affected with MFSD8-related conditions. Algorithms developed to predict the effect of sequence changes on RNA splicing suggest that this variant may disrupt the consensus splice site. In summary, the available evidence is currently insufficient to determine the role of this variant in disease. Therefore, it has been classified as a Variant of Uncertain Significance.

Department of Biochemistry, Faculty of Medicine, University of Khartoum
Classification: Uncertain significance for Neuronal ceroid lipofuscinosis 7. Review status: criteria provided, single submitter. Criteria: ACMG Guidelines, 2015. Collection method: research. Allele origin: biparental. Affected: yes. Observed: 1 variant allele.

Literature cited by the submitters: PubMed 37090936 (cited by 3billion).